The following is an entry in ClinVar:

NM_057093.2(CRYBA2):c.532G>A (p.Gly178Ser)

Gene: CRYBA2 (crystallin beta A2; minus strand). Cytogenetic location: 2q35.
Variant type: single nucleotide variant.
Coding change: c.532G>A on transcript NM_057093.2 (MANE Select); coding-DNA position 532, G replaced by A.
Protein change: p.Gly178Ser; replaces glycine 178 with serine.
Molecular consequence: missense variant.
Genome position (GRCh38, 1-based): chr2:218,990,314, C>T on the plus strand (G>A on the coding strand, the complement: CRYBA2 is on the minus strand). VCF-style: chr2-218990314-C-T. GRCh37 (hg19) VCF-style: chr2-219855036-C-T.
Other names: c.532G>A, p.Gly178Ser (NM_057094.2); short protein forms G178S.
Identifiers: ClinVar variation 3356867 (VCV003356867.2).

ClinVar aggregate classification (germline): Likely benign. Review status: criteria provided, single submitter (1 of 4 stars). 2 submissions from 2 submitters: Likely benign (1). 1 of the submissions does not count toward it. Last evaluated 2025-04-10.

Conditions:
CRYBA2-related disorder. Also called: CRYBA2-related condition.

gnomAD v4.1: 23 of 1,614,034 alleles (0.0014%); highest among the groups gnomAD compares: Middle Eastern, 0.016%; no homozygotes.

Submissions (2):

Ambry Genetics
Classification: Likely benign. Last evaluated: 2025-04-10. Review status: criteria provided, single submitter. Criteria: Ambry Variant Classification Scheme 2023. Collection method: clinical testing. Allele origin: germline.

PreventionGenetics, part of Exact Sciences
Classification: Uncertain significance for CRYBA2-related condition. Last evaluated: 2024-09-05. Review status: no assertion criteria provided. Collection method: clinical testing. Allele origin: germline. Not counted in ClinVar's aggregate classification.
Comment: The CRYBA2 c.532G>A variant is predicted to result in the amino acid substitution p.Gly178Ser. To our knowledge, this variant has not been reported in the literature. This variant is reported in 0.024% of alleles in individuals of African descent in gnomAD, which is likely too frequent for a disease-associated variant. Although we suspect that this variant may be benign, at this time, the clinical significance of this variant is uncertain due to the absence of conclusive functional and genetic evidence.